The following is an entry in ClinVar:

NM_006031.6(PCNT):c.5816G>A (p.Arg1939Gln)

Gene: PCNT (pericentrin; plus strand). Cytogenetic location: 21q22.3.
Variant type: single nucleotide variant.
Coding change: c.5816G>A on transcript NM_006031.6 (MANE Select); coding-DNA position 5816, G replaced by A.
Protein change: p.Arg1939Gln; replaces arginine 1939 with glutamine.
Molecular consequence: missense variant.
Genome position (GRCh38, 1-based): chr21:46,411,889, G>A. VCF-style: chr21-46411889-G-A. GRCh37 (hg19) VCF-style: chr21-47831803-G-A.
Other names: c.5462G>A, p.Arg1821Gln (NM_001315529.2); short protein forms R1821Q, R1939Q.
Identifiers: ClinVar variation 4990377 (VCV004990377.1).
Genomic context (GRCh38, chr21:46,411,889, plus strand): 5'-TGCAGTGGCTCCGAGCGCAGTGTGCCCGCCTCAGCCGCCAGCTGCAGGTGCTGCACCAGC[G>A]GTTCCTGAGGTGCCAGGTGGAGCTGGACAGGCGGCAGGCCCGCAGAGCCACAGCTCACAC-3'
Protein context (NP_006022.3, residues 1929-1949): LSRQLQVLHQ[Arg1939Gln]FLRCQVELDR

ClinVar aggregate classification (germline): Uncertain significance (1 of 4 stars; one submission).

Conditions:
PCNT-related disorder. Also called: PCNT-related condition.

gnomAD v4.1: 11 of 1,576,760 alleles (0.0007%); highest among the groups gnomAD compares: African/African-American, 0.0027%; no homozygotes.

Submission:

PreventionGenetics, part of Exact Sciences
Classification: Uncertain significance for PCNT-related condition. Last evaluated: 2025-01-30. Review status: criteria provided, single submitter. Criteria: ACMG Guidelines, 2015. Collection method: clinical testing. Allele origin: germline.
Comment: The PCNT c.5816G>A variant is predicted to result in the amino acid substitution p.Arg1939Gln. To our knowledge, this variant has not been reported in the literature. This variant is reported in 0.029% of alleles in individuals of European (Finnish) descent in gnomAD. At this time, the clinical significance of this variant is uncertain due to the absence of conclusive functional and genetic evidence.